The following is an entry in ClinVar:

NM_021620.4(PRDM13):c.33C>A (p.Ser11Arg)

Gene: PRDM13 (PR/SET domain 13; plus strand). Cytogenetic location: 6q16.2.
Variant type: single nucleotide variant.
Coding change: c.33C>A on transcript NM_021620.4 (MANE Select); coding-DNA position 33, C replaced by A.
Protein change: p.Ser11Arg; replaces serine 11 with arginine.
Molecular consequence: missense variant.
Genome position (GRCh38, 1-based): chr6:99,607,067, C>A. VCF-style: chr6-99607067-C-A. GRCh37 (hg19) VCF-style: chr6-100054943-C-A.
Other names: short protein forms S11R.
Identifiers: ClinVar variation 2782125 (VCV002782125.3), dbSNP rs752912720, ClinGen allele CA365113085.

ClinVar aggregate classification (germline): Uncertain significance (1 of 4 stars; one submission).

Submission:

Labcorp Genetics (formerly Invitae), Labcorp
Classification: Uncertain significance. Last evaluated: 2023-04-20. Review status: criteria provided, single submitter. Criteria: Invitae Variant Classification Sherloc (09022015). Collection method: clinical testing. Allele origin: germline.
Comment: This variant is not present in population databases (gnomAD no frequency). This variant has not been reported in the literature in individuals affected with PRDM13-related conditions. Algorithms developed to predict the effect of missense changes on protein structure and function output the following: SIFT: "Not Available"; PolyPhen-2: "Probably Damaging"; Align-GVGD: "Not Available". The arginine amino acid residue is found in multiple mammalian species, which suggests that this missense change does not adversely affect protein function. This sequence change replaces serine, which is neutral and polar, with arginine, which is basic and polar, at codon 11 of the PRDM13 protein (p.Ser11Arg). In summary, the available evidence is currently insufficient to determine the role of this variant in disease. Therefore, it has been classified as a Variant of Uncertain Significance.